The following is an entry in ClinVar:

NM_145290.4(ADGRA3):c.3767C>T (p.Pro1256Leu)

Gene: ADGRA3 (adhesion G protein-coupled receptor A3; minus strand). Cytogenetic location: 4p15.2.
Variant type: single nucleotide variant.
Coding change: c.3767C>T on transcript NM_145290.4 (MANE Select); coding-DNA position 3767, C replaced by T.
Protein change: p.Pro1256Leu; replaces proline 1256 with leucine.
Molecular consequence: missense variant.
Genome position (GRCh38, 1-based): chr4:22,387,904, G>A on the plus strand (C>T on the coding strand, the complement: ADGRA3 is on the minus strand). VCF-style: chr4-22387904-G-A. GRCh37 (hg19) VCF-style: chr4-22389527-G-A.
Other names: short protein forms P1256L.
Identifiers: ClinVar variation 2996227 (VCV002996227.3), dbSNP rs1397857748, ClinGen allele CA356471718.

ClinVar aggregate classification (germline): Uncertain significance (1 of 4 stars; one submission).

Allele frequency attached by ClinVar (database versions not stated): gnomAD exomes 0.00001.
gnomAD v4.1: 16 of 1,614,146 alleles (0.00099%); highest among the groups gnomAD compares: African/African-American, 0.0013%; no homozygotes.

Submission:

Labcorp Genetics (formerly Invitae), Labcorp
Classification: Uncertain significance. Last evaluated: 2023-07-31. Review status: criteria provided, single submitter. Criteria: Invitae Variant Classification Sherloc (09022015). Collection method: clinical testing. Allele origin: germline.
Comment: An algorithm developed to predict the effect of missense changes on protein structure and function (PolyPhen-2) suggests that this variant is likely to be tolerated. This variant has not been reported in the literature in individuals affected with ADGRA3-related conditions. This variant is present in population databases (no rsID available, gnomAD 0.002%). This sequence change replaces proline, which is neutral and non-polar, with leucine, which is neutral and non-polar, at codon 1256 of the ADGRA3 protein (p.Pro1256Leu). In summary, the available evidence is currently insufficient to determine the role of this variant in disease. Therefore, it has been classified as a Variant of Uncertain Significance.